The following is an entry in ClinVar:

ClinVar aggregate classification (germline): Uncertain significance (1 of 4 stars; one submission).

Allele frequency attached by ClinVar (database versions not stated): gnomAD exomes below 0.00001.
gnomAD v4.1: 3 of 1,612,842 alleles (0.00019%); highest among the groups gnomAD compares: Non-Finnish European, 0.00017%; no homozygotes.

Submission:

Labcorp Genetics (formerly Invitae), Labcorp
Classification: Uncertain significance. Last evaluated: 2022-08-18. Review status: criteria provided, single submitter. Criteria: Invitae Variant Classification Sherloc (09022015). Collection method: clinical testing. Allele origin: germline.
Comment: Experimental studies and prediction algorithms are not available or were not evaluated, and the functional significance of this variant is currently unknown. In summary, the available evidence is currently insufficient to determine the role of this variant in disease. Therefore, it has been classified as a Variant of Uncertain Significance. This variant has not been reported in the literature in individuals affected with ZNF668-related conditions. This sequence change creates a premature translational stop signal (p.Gln426*) in the ZNF668 gene. While this is not anticipated to result in nonsense mediated decay, it is expected to disrupt the last 194 amino acid(s) of the ZNF668 protein. This variant is not present in population databases (gnomAD no frequency).

NM_024706.5(ZNF668):c.1276C>T (p.Gln426Ter)

Gene: ZNF668 (zinc finger protein 668; minus strand). Cytogenetic location: 16p11.2.
Variant type: single nucleotide variant.
Coding change: c.1276C>T on transcript NM_024706.5 (MANE Select); coding-DNA position 1276, C replaced by T.
Protein change: p.Gln426Ter; replaces glutamine 426 with a stop codon.
Molecular consequence: nonsense.
Genome position (GRCh38, 1-based): chr16:31,061,652, G>A on the plus strand (C>T on the coding strand, the complement: ZNF668 is on the minus strand). VCF-style: chr16-31061652-G-A. GRCh37 (hg19) VCF-style: chr16-31072973-G-A.
Other names: c.1276C>T, p.Gln426Ter (NM_001172668.2, NM_001172670.2); c.1345C>T, p.Gln449Ter (NM_001172669.2); short protein forms Q426*, Q449*.
Identifiers: ClinVar variation 2172989 (VCV002172989.4), dbSNP rs2544018123, ClinGen allele CA395662635.
Genomic context (GRCh38, chr16:31,061,652, plus strand): 5'-GGGCGGCTGAACTCTCACCTGCCACGCCCACAGGCAGCGCCAACCCCACCACCAGCTCCT[G>A]TGCAGGGGGCACACCCGCGGCCTCACTGCTTCGATGGGTCCGCTCGTGCTTCCTCAGGCT-3'